The following is an entry in ClinVar:

ClinVar aggregate classification (germline): Uncertain significance (1 of 4 stars; one submission).

Submission:

GeneDx
Classification: Uncertain significance. Last evaluated: 2023-12-15. Review status: criteria provided, single submitter. Criteria: GeneDx Variant Classification Process June 2021. Collection method: clinical testing. Allele origin: germline. Affected: yes.
Comment: Not observed at significant frequency in large population cohorts (gnomAD); Nonsense variant predicted to result in protein truncation or nonsense mediated decay in a gene or region of a gene for which loss of function is not a well-established mechanism of disease; Has not been previously published as pathogenic or benign to our knowledge

NM_022575.4(VPS16):c.1435C>T (p.Gln479Ter)

Gene: VPS16 (VPS16 core subunit of CORVET and HOPS complexes; plus strand). Cytogenetic location: 20p13.
Variant type: single nucleotide variant.
Coding change: c.1435C>T on transcript NM_022575.4 (MANE Select); coding-DNA position 1435, C replaced by T.
Protein change: p.Gln479Ter; replaces glutamine 479 with a stop codon.
Molecular consequence: nonsense.
Genome position (GRCh38, 1-based): chr20:2,863,357, C>T. VCF-style: chr20-2863357-C-T. GRCh37 (hg19) VCF-style: chr20-2844003-C-T.
Other names: c.1003C>T, p.Gln335Ter (NM_080413.3); short protein forms Q335*, Q479*.
Identifiers: ClinVar variation 3365587 (VCV003365587.1).